The following is an entry in ClinVar:

NM_001009944.3(PKD1):c.1849+21_1849+34del

Gene: PKD1 (polycystin 1, transient receptor potential channel interacting; minus strand). Cytogenetic location: 16p13.3.
Variant type: Microsatellite.
Coding change: c.1849+21_1849+34del on transcript NM_001009944.3 (MANE Select); bases 21 to 34 of the intron after coding-DNA position 1849, 14 bases deleted (TGGTGGGTGGTGGG).
Molecular consequence: intron variant.
Genome position (GRCh38, 1-based): chr16:2,115,958-2,115,971, CCCACCACCCACCA deleted on the plus strand (TGGTGGGTGGTGGG on the coding strand, the reverse complement: PKD1 is on the minus strand); deleting any 14 consecutive bases within chr16:2,115,958-2,115,982 gives the same sequence; the c. name uses the placement nearest the transcript's 3' end. VCF-style (leftmost placement, unchanged base first): chr16-2115957-GCCCACCACCCACCA-G. GRCh37 (hg19) VCF-style: chr16-2165958-GCCCACCACCCACCA-G.
Other names: c.1849+21_1849+34del14 (NM_001009944.3); c.1849+21_1849+34del (NM_000296.4).
Identifiers: ClinVar variation 811259 (VCV000811259.10), dbSNP rs56173969, ClinGen allele CA7833386.

ClinVar aggregate classification (germline): Benign/Likely benign. Review status: criteria provided, multiple submitters, no conflicts (2 of 4 stars). 2 submissions from 2 submitters: Benign (1); Likely benign (1). Last evaluated 2026-02-02.

Conditions:
Polycystic kidney disease, adult type (PKD1). Also called: Polycystic Kidney Disease 1, Autosomal Dominant; Polycystic kidney disease 1; Polycystic kidney disease 1, severe; Polycystic Kidney, Autosomal Dominant; POLYCYSTIC KIDNEY DISEASE 1 WITH OR WITHOUT POLYCYSTIC LIVER DISEASE; POLYCYSTIC KIDNEY DISEASE, ADULT, TYPE I. Identifiers: MedGen C3149841, MONDO:0008263, OMIM 173900.

Submissions (2):

Women's Health and Genetics/Laboratory Corporation of America, LabCorp
Classification: Likely benign. Last evaluated: 2026-02-02. Review status: criteria provided, single submitter. Criteria: LabCorp Variant Classification Summary - May 2015. Collection method: clinical testing. Allele origin: germline.
Comment: Variant summary: PKD1 c.1849+21_1849+34del14 is located at a position not widely known to affect splicing. Consensus agreement among computation tools predict no significant impact on normal splicing. However, these predictions have yet to be confirmed by functional studies. The variant allele was found at a frequency of 0.0011 in 152538 control chromosomes in the gnomAD database, including 1 homozygote. This frequency is not significantly higher than estimated for disease-causing variants in PKD1, allowing no conclusion about variant significance. To our knowledge, no occurrence of c.1849+21_1849+34del14 in individuals affected with PKD1-related conditions and no experimental evidence demonstrating its impact on protein function have been reported. ClinVar contains an entry for this variant (Variation ID: 811259). Based on the evidence outlined above, the variant was classified as likely benign.

ARUP Laboratories, Molecular Genetics and Genomics, ARUP Laboratories
Classification: Benign for Polycystic kidney disease, adult type. Last evaluated: 2019-11-14. Review status: criteria provided, single submitter. Criteria: ARUP Molecular Germline Variant Investigation Process. Collection method: clinical testing. Allele origin: germline.